The following is an entry in ClinVar:

ClinVar aggregate classification (germline): Uncertain significance (1 of 4 stars; one submission).

Allele frequency attached by ClinVar (database versions not stated): TOPMed below 0.00001; ExAC 0.00001.

Submission:

Labcorp Genetics (formerly Invitae), Labcorp
Classification: Uncertain significance. Last evaluated: 2022-10-13. Review status: criteria provided, single submitter. Criteria: Invitae Variant Classification Sherloc (09022015). Collection method: clinical testing. Allele origin: germline.
Comment: In summary, the available evidence is currently insufficient to determine the role of this variant in disease. Therefore, it has been classified as a Variant of Uncertain Significance. Algorithms developed to predict the effect of missense changes on protein structure and function are either unavailable or do not agree on the potential impact of this missense change (SIFT: "Not Available"; PolyPhen-2: "Probably Damaging"; Align-GVGD: "Not Available"). This variant has not been reported in the literature in individuals affected with PIK3C2A-related conditions. This variant is present in population databases (rs769159672, gnomAD 0.007%). This sequence change replaces glutamic acid, which is acidic and polar, with glycine, which is neutral and non-polar, at codon 705 of the PIK3C2A protein (p.Glu705Gly).

NM_002645.4(PIK3C2A):c.2114A>G (p.Glu705Gly)

Gene: PIK3C2A (phosphatidylinositol-4-phosphate 3-kinase catalytic subunit type 2 alpha; minus strand). Cytogenetic location: 11p15.1.
Variant type: single nucleotide variant.
Coding change: c.2114A>G on transcript NM_002645.4 (MANE Select); coding-DNA position 2114, A replaced by G.
Protein change: p.Glu705Gly; replaces glutamic acid 705 with glycine.
Molecular consequence: missense variant.
Genome position (GRCh38, 1-based): chr11:17,132,033, T>C on the plus strand (A>G on the coding strand, the complement: PIK3C2A is on the minus strand). VCF-style: chr11-17132033-T-C. GRCh37 (hg19) VCF-style: chr11-17153580-T-C.
Other names: c.2114A>G, p.Glu705Gly (NM_001321378.2, NM_001386870.1); c.974A>G, p.Glu325Gly (NM_001321380.2); short protein forms E705G, E325G.
Identifiers: ClinVar variation 2186155 (VCV002186155.4), dbSNP rs769159672, ClinGen allele CA5901177.